The following is an entry in ClinVar:

ClinVar aggregate classification (germline): Uncertain significance (1 of 4 stars; one submission).

Conditions:
Leigh syndrome (NULS). Also called: Leigh's necrotizing encephalopathy; Leigh's disease; Leigh Syndrome (mtDNA deletion); Leigh Disease; Subacute necrotizing encephalopathy; Necrotizing encephalopathy infantile subacute of Leigh. Identifiers: Orphanet 506, MedGen C2931891, MONDO:0009723, OMIM 256000.

Submission:

Wong Mito Lab, Molecular and Human Genetics, Baylor College of Medicine
Classification: Uncertain significance for Leigh syndrome. Last evaluated: 2019-10-17. Review status: criteria provided, single submitter. Criteria: Modified ACMG Guidelines (Unpublished). Collection method: clinical testing. Allele origin: germline.
Comment: The NC_012920.1:m.10922A>G (YP_003024035.1:p.Thr55Ala) variant in MTND4 gene is interpretated to be a Uncertain Significance variant based on the modified ACMG guidelines (unpublished). This variant meets the following evidence codes: PP6, BP4

NC_012920.1(MT-ND4):m.10922A>G

Gene: MT-ND4 (mitochondrially encoded NADH dehydrogenase 4; plus strand).
Variant type: single nucleotide variant.
Genome position: chrM-10922-A-G.
Identifiers: ClinVar variation 693330 (VCV000693330.1), dbSNP rs1603223021, ClinGen allele CA414807532.
Genomic context (GRCh38, chrMT:10,922, plus strand): 5'-AGCATCATCCCTCTACTATTTTTTAACCAAATCAACAACAACCTATTTAGCTGTTCCCCA[A>G]CCTTTTCCTCCGACCCCCTAACAACCCCCCTCCTAATACTAACTACCTGACTCCTACCCC-3'